The following is an entry in ClinVar:

NM_000352.6(ABCC8):c.3329+6C>T

Gene: ABCC8 (ATP binding cassette subfamily C member 8; minus strand). Cytogenetic location: 11p15.1.
Variant type: single nucleotide variant.
Coding change: c.3329+6C>T on transcript NM_000352.6 (MANE Select); 6 bases into the intron after coding-DNA position 3329, C replaced by T.
Molecular consequence: intron variant.
Genome position (GRCh38, 1-based): chr11:17,406,616, G>A on the plus strand (C>T on the coding strand, the complement: ABCC8 is on the minus strand). VCF-style: chr11-17406616-G-A. GRCh37 (hg19) VCF-style: chr11-17428163-G-A.
Other names: c.3326+6C>T (NM_001351297.2); c.3329+6C>T (NM_001351296.2); c.3395+6C>T (NM_001351295.2); c.3332+6C>T (NM_001287174.3).
Identifiers: ClinVar variation 35608 (VCV000035608.52), dbSNP rs113873225, ClinGen allele CA171070.

ClinVar aggregate classification (germline): Benign/Likely benign. Review status: criteria provided, multiple submitters, no conflicts (2 of 4 stars). 15 submissions from 13 submitters: Benign (8); Likely benign (5). 2 of the submissions do not count toward it. Last evaluated 2026-09-01.

Conditions:
Hereditary hyperinsulinism.
Transitory neonatal diabetes mellitus. Also called: Transient neonatal diabetes mellitus. Identifiers: MedGen C0342273, MONDO:0020525, HP:0008255.
Permanent neonatal diabetes mellitus (PNDM). Identifiers: Orphanet 99885, MedGen C1833104, MONDO:0100164, MONDO:0011643. Disease mechanism: gain of function.
Hyperinsulinemic hypoglycemia, familial, 1 (HHF1). Also called: Persistent Hyperinsulinemia Hypoglycemia of Infancy; Persistent hyperinsulinemic hypoglycemia of infancy; HYPERINSULINISM, FAMILIAL, WITH PANCREATIC NESIDIOBLASTOSIS; HYPOGLYCEMIA, HYPERINSULINEMIC, OF INFANCY; NESIDIOBLASTOSIS OF PANCREAS. Identifiers: Orphanet 276575, Orphanet 276598, MedGen C2931832, MONDO:0009734, OMIM 256450.
Diabetes mellitus, transient neonatal, 2 (TNDM2). Identifiers: Orphanet 99886, MedGen C1835887, MONDO:0012480, OMIM 610374. Disease mechanism: loss of function.

Allele frequency attached by ClinVar (database versions not stated): TOPMed 0.01225; gnomAD 0.01274 and 0.01304; 1000 Genomes Project 30x 0.00531; 1000 Genomes Project 0.00579; ESP Exome Variant Server 0.01771; gnomAD exomes 0.01142 and 0.01803; ExAC 0.01333.
gnomAD v4.1: 27,978 of 1,611,936 alleles (1.7%); highest among the groups gnomAD compares: Non-Finnish European, 2.1%; 293 homozygotes.

Submissions (15):

CeGaT Center for Human Genetics Tuebingen
Classification: Benign. Last evaluated: 2026-09-01. Review status: criteria provided, single submitter. Criteria: CeGaT Center For Human Genetics Tuebingen Variant Classification Criteria Version 2. Collection method: clinical testing. Allele origin: germline. Affected: yes. Observed: 12 variant alleles.
Comment: ABCC8: BP4, BS1, BS2

Labcorp Genetics (formerly Invitae), Labcorp
Classification: Benign. Last evaluated: 2026-02-04. Review status: criteria provided, single submitter. Criteria: Invitae Variant Classification Sherloc (09022015). Collection method: clinical testing. Allele origin: germline.

ARUP Laboratories, Molecular Genetics and Genomics, ARUP Laboratories
Classification: Benign. Last evaluated: 2025-06-11. Review status: criteria provided, single submitter. Criteria: ARUP Molecular Germline Variant Investigation Process 2024. Collection method: clinical testing. Allele origin: germline.

Blueprint Genetics
Classification: Likely benign. Last evaluated: 2024-11-27. Review status: criteria provided, single submitter. Criteria: ACMG Guidelines, 2015. Collection method: clinical testing. Allele origin: germline.

GeneDx
Classification: Benign. Last evaluated: 2020-02-27. Review status: criteria provided, single submitter. Criteria: GeneDx Variant Classification Process June 2021. Collection method: clinical testing. Allele origin: germline. Affected: yes.
Comment: This variant is associated with the following publications: (PMID: 23652837)

Women's Health and Genetics/Laboratory Corporation of America, LabCorp
Classification: Benign. Last evaluated: 2018-09-06. Review status: criteria provided, single submitter. Criteria: LabCorp Variant Classification Summary - May 2015. Collection method: clinical testing. Allele origin: germline.
Comment: Variant summary: ABCC8 c.3329+6C>T alters a non-conserved nucleotide located close to a canonical splice site and therefore could affect mRNA splicing, leading to a significantly altered protein sequence. 5/5 computational tools predict no significant impact on normal splicing. However, these predictions have yet to be confirmed by functional studies. The variant allele was found at a frequency of 0.012 in 274898 control chromosomes in the gnomAD database, including 26 homozygotes. The observed variant frequency is approximately 557705.035 fold of the estimated maximal expected allele frequency for a pathogenic variant in ABCC8 causing Neonatal Diabetes Mellitus phenotype (2.1e-08), strongly suggesting that the variant is benign. Two clinical diagnostic laboratories have submitted clinical-significance assessments for this variant to ClinVar after 2014 without evidence for independent evaluation. All laboratories classified the variant as benign/likely benign. Based on the evidence outlined above, the variant was classified as benign.

Illumina Laboratory Services, Illumina
Classification: Likely benign for Diabetes mellitus, transient neonatal, 2. Last evaluated: 2018-03-08. Review status: criteria provided, single submitter. Criteria: ICSL Variant Classification Criteria 13 December 2019. Collection method: clinical testing. Allele origin: germline.
Comment: This variant was observed as part of a predisposition screen in an ostensibly healthy population. A literature search was performed for the gene, cDNA change, and amino acid change (where applicable). No publications were found based on this search. Allele frequency data from public databases allowed determination this variant is unlikely to cause disease. Therefore, this variant is classified as likely benign.

Illumina Laboratory Services, Illumina
Classification: Likely benign for Permanent neonatal diabetes mellitus 1. Last evaluated: 2018-03-08. Review status: criteria provided, single submitter. Criteria: ICSL Variant Classification Criteria 13 December 2019. Collection method: clinical testing. Allele origin: germline.
Comment: the same text as in the submission from Illumina Laboratory Services, Illumina above.

Illumina Laboratory Services, Illumina
Classification: Likely benign for Hyperinsulinemic hypoglycemia, familial, 1. Last evaluated: 2018-03-08. Review status: criteria provided, single submitter. Criteria: ICSL Variant Classification Criteria 13 December 2019. Collection method: clinical testing. Allele origin: germline.
Comment: the same text as in the submission from Illumina Laboratory Services, Illumina above.

Eurofins Ntd Llc (ga)
Classification: Benign. Last evaluated: 2015-01-22. Review status: criteria provided, single submitter. Criteria: EGL Classification Definitions 2015. Collection method: clinical testing. Allele origin: germline. Observed: 1 variant allele, 1 heterozygote.

Breakthrough Genomics
Classification: Likely benign. Review status: criteria provided, single submitter. Criteria: ACMG Guidelines, 2015. Collection method: not provided. Allele origin: germline. Inheritance: Autosomal recessive inheritance. Affected: yes.

Clinical Genomics, Uppaluri K&H Personalized Medicine Clinic
Classification: Benign for Transitory neonatal diabetes mellitus. Review status: criteria provided, single submitter. Criteria: K&H Uppaluri Personalized Medicine Clinic Variant Classification & Assertion Criteria. Collection method: research. Allele origin: somatic. Affected: no.
Comment: Mutations in ABCC8 gene are associated with both neonatal diabetes mellitus as well as MODY. Patients with this mutation may respond to sulfonylureas. However, no sufficient evidence is found to ascertain the role of rs113873225 variant in Diabetes Mellitus yet.

PreventionGenetics, part of Exact Sciences
Classification: Benign. Review status: criteria provided, single submitter. Criteria: ACMG Guidelines, 2015. Collection method: clinical testing. Allele origin: germline.

Natera, Inc.
Classification: Benign for Hereditary hyperinsulinism. Last evaluated: 2020-09-16. Review status: no assertion criteria provided. Collection method: clinical testing. Allele origin: germline. Not counted in ClinVar's aggregate classification.

Genetic Services Laboratory, University of Chicago
Classification: Likely benign. Review status: no assertion criteria provided. Collection method: clinical testing. Allele origin: germline. Inheritance: Autosomal unknown. Not counted in ClinVar's aggregate classification.
Comment: Likely benign based on allele frequency in 1000 Genomes Project or ESP global frequency and its presence in a patient with a rare or unrelated disease phenotype. NOT Sanger confirmed

Literature cited by the submitters: PubMed 9568693 (cited by Women's Health and Genetics/Laboratory Corporation of America, LabCorp); PubMed 8923011 (cited by Women's Health and Genetics/Laboratory Corporation of America, LabCorp); PubMed 10338089 (cited by Women's Health and Genetics/Laboratory Corporation of America, LabCorp); PubMed 34631896 (cited by Clinical Genomics, Uppaluri K&H Personalized Medicine Clinic).